The following is an entry in ClinVar:

ClinVar aggregate classification (germline): Uncertain significance. Review status: criteria provided, multiple submitters, no conflicts (2 of 4 stars). 2 submissions from 2 submitters: Uncertain significance (2). Last evaluated 2026-06-01.

Conditions:
Hereditary cancer-predisposing syndrome. Also called: Neoplastic Syndromes, Hereditary; Tumor predisposition; Hereditary Cancer Syndrome; Hereditary neoplastic syndrome. Identifiers: Orphanet 140162, MedGen C0027672, MeSH D009386, MONDO:0015356.

Submissions (2):

Ambry Genetics
Classification: Uncertain significance for Hereditary cancer-predisposing syndrome. Last evaluated: 2026-06-01. Review status: criteria provided, single submitter. Criteria: Ambry Variant Classification Scheme 2023. Collection method: clinical testing. Allele origin: germline.
Comment: The p.Q230R variant (also known as c.689A>G), located in coding exon 5 of the CTNNA1 gene, results from an A to G substitution at nucleotide position 689. The glutamine at codon 230 is replaced by arginine, an amino acid with highly similar properties. This amino acid position is conserved. In addition, this alteration is predicted to be tolerated by in silico analysis. Based on the available evidence, the clinical significance of this variant remains unclear.

Labcorp Genetics (formerly Invitae), Labcorp
Classification: Uncertain significance. Last evaluated: 2023-03-17. Review status: criteria provided, single submitter. Criteria: Invitae Variant Classification Sherloc (09022015). Collection method: clinical testing. Allele origin: germline.
Comment: In summary, the available evidence is currently insufficient to determine the role of this variant in disease. Therefore, it has been classified as a Variant of Uncertain Significance. Advanced modeling of protein sequence and biophysical properties (such as structural, functional, and spatial information, amino acid conservation, physicochemical variation, residue mobility, and thermodynamic stability) performed at Invitae indicates that this missense variant is not expected to disrupt CTNNA1 protein function. ClinVar contains an entry for this variant (Variation ID: 1387557). This variant has not been reported in the literature in individuals affected with CTNNA1-related conditions. This variant is not present in population databases (gnomAD no frequency). This sequence change replaces glutamine, which is neutral and polar, with arginine, which is basic and polar, at codon 230 of the CTNNA1 protein (p.Gln230Arg).

NM_001903.5(CTNNA1):c.689A>G (p.Gln230Arg)

Gene: CTNNA1 (catenin alpha 1; plus strand). Cytogenetic location: 5q31.2.
Variant type: single nucleotide variant.
Coding change: c.689A>G on transcript NM_001903.5 (MANE Select); coding-DNA position 689, A replaced by G.
Protein change: p.Gln230Arg; replaces glutamine 230 with arginine.
Molecular consequence: missense variant.
Genome position (GRCh38, 1-based): chr5:138,824,630, A>G. VCF-style: chr5-138824630-A-G. GRCh37 (hg19) VCF-style: chr5-138160319-A-G.
Other names: c.689A>G, p.Gln230Arg (NM_001323982.2, NM_001323983.1, NM_001323984.2 and 3 more transcripts); c.380A>G, p.Gln127Arg (NM_001290309.3); c.320A>G, p.Gln107Arg (NM_001290310.3); c.689A>G (NM_001903.2); short protein forms Q230R, Q107R, Q127R.
Identifiers: ClinVar variation 1387557 (VCV001387557.9), dbSNP rs766853123, ClinGen allele CA361129727.